The following is an entry in ClinVar:

NM_015910.7(WDPCP):c.1991A>G (p.Glu664Gly)

Gene: WDPCP (WD repeat containing planar cell polarity effector; minus strand). Cytogenetic location: 2p15.
Variant type: single nucleotide variant.
Coding change: c.1991A>G on transcript NM_015910.7 (MANE Select); coding-DNA position 1991, A replaced by G.
Protein change: p.Glu664Gly; replaces glutamic acid 664 with glycine.
Molecular consequence: missense variant. On other transcripts: non-coding transcript variant (3).
Genome position (GRCh38, 1-based): chr2:63,174,757, T>C on the plus strand (A>G on the coding strand, the complement: WDPCP is on the minus strand). VCF-style: chr2-63174757-T-C. GRCh37 (hg19) VCF-style: chr2-63401892-T-C.
Other names: c.1514A>G, p.Glu505Gly (NM_001042692.3); c.1919A>G, p.Glu640Gly (NM_001354044.2); short protein forms E505G, E640G, E664G.
Identifiers: ClinVar variation 3344375 (VCV003344375.1).

ClinVar aggregate classification (germline): Uncertain significance (0 of 4 stars; one submission).

Conditions:
WDPCP-related disorder. Also called: WDPCP-related condition.

Submission:

PreventionGenetics, part of Exact Sciences
Classification: Uncertain significance for WDPCP-related condition. Last evaluated: 2024-08-09. Review status: no assertion criteria provided. Collection method: clinical testing. Allele origin: germline.
Comment: The WDPCP c.1991A>G variant is predicted to result in the amino acid substitution p.Glu664Gly. To our knowledge, this variant has not been reported in the literature or in a large population database, indicating this variant is rare. At this time, the clinical significance of this variant is uncertain due to the absence of conclusive functional and genetic evidence.